The following is an entry in ClinVar:

ClinVar aggregate classification (germline): Uncertain significance (1 of 4 stars; one submission).

Conditions:
Inborn genetic diseases. Identifiers: MedGen C0950123, MeSH D030342.

Submission:

Ambry Genetics
Classification: Uncertain significance for Inborn genetic diseases. Last evaluated: 2022-01-28. Review status: criteria provided, single submitter. Criteria: Ambry Variant Classification Scheme 2023. Collection method: clinical testing. Allele origin: germline.
Comment: The c.1335-3T>C intronic alteration consists of a T to C substitution 3 nucleotides before exon 11 of the KCNMA1 gene. Based on insufficient or conflicting evidence, the clinical significance of this alteration remains unclear.

NM_001161352.2(KCNMA1):c.1335-3T>C

Gene: KCNMA1 (potassium calcium-activated channel subfamily M alpha 1; minus strand). Cytogenetic location: 10q22.3.
Variant type: single nucleotide variant.
Coding change: c.1335-3T>C on transcript NM_001161352.2 (MANE Select); 3 bases into the intron before coding-DNA position 1335, T replaced by C.
Molecular consequence: intron variant.
Genome position (GRCh38, 1-based): chr10:77,086,596, A>G on the plus strand (T>C on the coding strand, the complement: KCNMA1 is on the minus strand). VCF-style: chr10-77086596-A-G. GRCh37 (hg19) VCF-style: chr10-78846354-A-G.
Other names: c.1173-3T>C (NM_001271518.2); c.1335-3T>C (NM_001322832.2, NM_001322829.2, NM_001014797.3 and 7 more transcripts); c.795-3T>C (NM_001322838.2).
Identifiers: ClinVar variation 2267206 (VCV002267206.2), dbSNP rs2550872450, ClinGen allele CA2580081991.